The following is an entry in ClinVar:

NM_001382508.1(DROSHA):c.811C>G (p.Arg271Gly)

Gene: DROSHA (drosha ribonuclease III; minus strand). Cytogenetic location: 5p13.3.
Variant type: single nucleotide variant.
Coding change: c.811C>G on transcript NM_001382508.1 (MANE Select); coding-DNA position 811, C replaced by G.
Protein change: p.Arg271Gly; replaces arginine 271 with glycine.
Molecular consequence: missense variant.
Genome position (GRCh38, 1-based): chr5:31,526,122, G>C on the plus strand (C>G on the coding strand, the complement: DROSHA is on the minus strand). VCF-style: chr5-31526122-G-C. GRCh37 (hg19) VCF-style: chr5-31526229-G-C.
Other names: c.811C>G, p.Arg271Gly (NM_001100412.2, NM_013235.5); short protein forms R271G.
Identifiers: ClinVar variation 4750939 (VCV004750939.1).

ClinVar aggregate classification (germline): Uncertain significance (1 of 4 stars; one submission).

Submission:

Labcorp Genetics (formerly Invitae), Labcorp
Classification: Uncertain significance. Last evaluated: 2025-05-04. Review status: criteria provided, single submitter. Criteria: Invitae Variant Classification Sherloc (09022015). Collection method: clinical testing. Allele origin: germline.
Comment: This sequence change replaces arginine, which is basic and polar, with glycine, which is neutral and non-polar, at codon 271 of the DROSHA protein (p.Arg271Gly). This variant is not present in population databases (gnomAD no frequency). This variant has not been reported in the literature in individuals affected with DROSHA-related conditions. An algorithm developed to predict the effect of missense changes on protein structure and function (PolyPhen-2) suggests that this variant is likely to be tolerated. In summary, the available evidence is currently insufficient to determine the role of this variant in disease. Therefore, it has been classified as a Variant of Uncertain Significance.